The following is an entry in ClinVar:

ClinVar aggregate classification (germline): Uncertain significance. Review status: criteria provided, multiple submitters, no conflicts (2 of 4 stars). 2 submissions from 2 submitters: Uncertain significance (2). Last evaluated 2025-01-08.

Conditions:
Juvenile polyposis syndrome (JPS). Identifiers: Orphanet 2929, MedGen C0345893, MONDO:0017380, OMIM 174900.
Hereditary cancer-predisposing syndrome. Also called: Neoplastic Syndromes, Hereditary; Hereditary Cancer Syndrome; Hereditary neoplastic syndrome; Tumor predisposition. Identifiers: Orphanet 140162, MedGen C0027672, MeSH D009386, MONDO:0015356.

Allele frequency attached by ClinVar (database versions not stated): gnomAD exomes below 0.00001.
gnomAD v4.1: 4 of 1,614,104 alleles (0.00025%); highest among the groups gnomAD compares: East Asian, 0.0022%; no homozygotes.

Submissions (2):

Ambry Genetics
Classification: Uncertain significance for Hereditary cancer-predisposing syndrome. Last evaluated: 2025-01-08. Review status: criteria provided, single submitter. Criteria: Ambry Variant Classification Scheme 2023. Collection method: clinical testing. Allele origin: germline.
Comment: The p.P465L variant (also known as c.1394C>T), located in coding exon 10 of the BMPR1A gene, results from a C to T substitution at nucleotide position 1394. The proline at codon 465 is replaced by leucine, an amino acid with similar properties. This amino acid position is highly conserved in available vertebrate species. In addition, this alteration is predicted to be deleterious by in silico analysis. Based on the available evidence, the clinical significance of this variant remains unclear.

Labcorp Genetics (formerly Invitae), Labcorp
Classification: Uncertain significance for Juvenile polyposis syndrome. Last evaluated: 2024-04-08. Review status: criteria provided, single submitter. Criteria: Invitae Variant Classification Sherloc (09022015). Collection method: clinical testing. Allele origin: germline.
Comment: This sequence change replaces proline, which is neutral and non-polar, with leucine, which is neutral and non-polar, at codon 465 of the BMPR1A protein (p.Pro465Leu). This variant is not present in population databases (gnomAD no frequency). This variant has not been reported in the literature in individuals affected with BMPR1A-related conditions. ClinVar contains an entry for this variant (Variation ID: 853206). Advanced modeling of protein sequence and biophysical properties (such as structural, functional, and spatial information, amino acid conservation, physicochemical variation, residue mobility, and thermodynamic stability) has been performed at Invitae for this missense variant, however the output from this modeling did not meet the statistical confidence thresholds required to predict the impact of this variant on BMPR1A protein function. In summary, the available evidence is currently insufficient to determine the role of this variant in disease. Therefore, it has been classified as a Variant of Uncertain Significance.

NM_004329.3(BMPR1A):c.1394C>T (p.Pro465Leu)

Gene: BMPR1A (bone morphogenetic protein receptor type 1A; plus strand). Cytogenetic location: 10q23.2.
Variant type: single nucleotide variant.
Coding change: c.1394C>T on transcript NM_004329.3 (MANE Select); coding-DNA position 1394, C replaced by T.
Protein change: p.Pro465Leu; replaces proline 465 with leucine.
Molecular consequence: missense variant.
Genome position (GRCh38, 1-based): chr10:86,923,427, C>T. VCF-style: chr10-86923427-C-T. GRCh37 (hg19) VCF-style: chr10-88683184-C-T.
Other names: short protein forms P465L.
Identifiers: ClinVar variation 853206 (VCV000853206.11), dbSNP rs1843695473, ClinGen allele CA377462872.
Genomic context (GRCh38, chr10:86,923,427, plus strand): 5'-CCCTTATAGGGATCGTGGAAGAATACCAATTGCCATATTACAACATGGTACCGAGTGATC[C>T]GTCATACGAAGATATGCGTGAGGTTGTGTGTGTCAAACGTTTGCGGCCAATTGTGTCTAA-3'
Protein context (NP_004320.2, residues 455-475): LPYYNMVPSD[Pro465Leu]SYEDMREVVC